The following is an entry in ClinVar:

ClinVar aggregate classification (germline): Uncertain significance (0 of 4 stars; one submission).

Conditions:
MC4R-related disorder. Also called: MC4R-related condition.

gnomAD v4.1: 56 of 1,614,070 alleles (0.0035%); highest among the groups gnomAD compares: Non-Finnish European, 0.0045%; no homozygotes.

Submission:

PreventionGenetics, part of Exact Sciences
Classification: Uncertain significance for MC4R-related condition. Last evaluated: 2024-02-20. Review status: no assertion criteria provided. Collection method: clinical testing. Allele origin: germline.
Comment: The MC4R c.731C>T variant is predicted to result in the amino acid substitution p.Ala244Val. However, in functional studies the p.Ala244Val substitution did not significantly impact protein surface expression or signal transduction properties (Reinehr et al. 2009. PubMed ID: 18997677). A different missense change at the same amino acid position, p.Ala244Glu, has previously been reported in individuals with obesity, although its pathogenicity has not been conclusively established (Stutzmann et al 2008. PubMed ID: 18559663; Lubrano-Berthelier et al 2003. PubMed ID: 12499395). The c.731C>T (p.Ala244Val) variant is reported in 0.0054% of alleles in individuals of European (Non-Finnish) descent in gnomAD. At this time, the clinical significance of this variant is uncertain due to the absence of conclusive functional and genetic evidence.

NM_005912.3(MC4R):c.731C>T (p.Ala244Val)

Gene: MC4R (melanocortin 4 receptor; minus strand). Cytogenetic location: 18q21.32.
Variant type: single nucleotide variant.
Coding change: c.731C>T on transcript NM_005912.3 (MANE Select); coding-DNA position 731, C replaced by T.
Protein change: p.Ala244Val; replaces alanine 244 with valine.
Molecular consequence: missense variant.
Genome position (GRCh38, 1-based): chr18:60,371,619, G>A on the plus strand (C>T on the coding strand, the complement: MC4R is on the minus strand). VCF-style: chr18-60371619-G-A. GRCh37 (hg19) VCF-style: chr18-58038852-G-A.
Other names: short protein forms A244V.
Identifiers: ClinVar variation 3352153 (VCV003352153.1).